The following is an entry in ClinVar:

ClinVar aggregate classification (germline): Uncertain significance (1 of 4 stars; one submission).

gnomAD v4.1: 4 of 1,205,078 alleles (0.00033%); highest among the groups gnomAD compares: African/African-American, 0.0064%; no homozygotes.

Submission:

Ambry Genetics
Classification: Uncertain significance. Last evaluated: 2024-12-21. Review status: criteria provided, single submitter. Criteria: Ambry Variant Classification Scheme 2023. Collection method: clinical testing. Allele origin: germline.
Comment: The p.D9N variant (also known as c.25G>A), located in coding exon 1 of the WNK2 gene, results from a G to A substitution at nucleotide position 25. The aspartic acid at codon 9 is replaced by asparagine, an amino acid with highly similar properties. This amino acid position is conserved. In addition, this alteration is predicted to be tolerated by in silico analysis. Based on the available evidence, the clinical significance of this variant remains unclear.

NM_006648.4(WNK2):c.25G>A (p.Asp9Asn)

Gene: WNK2 (WNK lysine deficient protein kinase 2; plus strand). Cytogenetic location: 9q22.31.
Variant type: single nucleotide variant.
Coding change: c.25G>A on transcript NM_006648.4 (MANE Select); coding-DNA position 25, G replaced by A.
Protein change: p.Asp9Asn; replaces aspartic acid 9 with asparagine.
Molecular consequence: missense variant.
Genome position (GRCh38, 1-based): chr9:93,184,954, G>A. VCF-style: chr9-93184954-G-A. GRCh37 (hg19) VCF-style: chr9-95947236-G-A.
Other names: c.25G>A, p.Asp9Asn (NM_001282394.3); short protein forms D9N.
Identifiers: ClinVar variation 3470738 (VCV003470738.2).